The following is an entry in ClinVar:

ClinVar aggregate classification (germline): Uncertain significance (1 of 4 stars; one submission).

Conditions:
Nephronophthisis. Also called: Juvenile Nephronophthisis. Identifiers: Orphanet 655, MedGen C0687120, MONDO:0019005, HP:0000090.

Allele frequency attached by ClinVar (database versions not stated): ExAC 0.00001; gnomAD exomes 0.00001; TOPMed 0.00002.
gnomAD v4.1: 16 of 1,613,906 alleles (0.00099%); highest among the groups gnomAD compares: Non-Finnish European, 0.0013%; no homozygotes.

Submission:

Labcorp Genetics (formerly Invitae), Labcorp
Classification: Uncertain significance for Nephronophthisis. Last evaluated: 2022-11-01. Review status: criteria provided, single submitter. Criteria: Invitae Variant Classification Sherloc (09022015). Collection method: clinical testing. Allele origin: germline.
Comment: This sequence change replaces arginine, which is basic and polar, with glycine, which is neutral and non-polar, at codon 7 of the NPHP1 protein (p.Arg7Gly). This variant is present in population databases (rs759193940, gnomAD 0.0009%). This variant has not been reported in the literature in individuals affected with NPHP1-related conditions. Advanced modeling of protein sequence and biophysical properties (such as structural, functional, and spatial information, amino acid conservation, physicochemical variation, residue mobility, and thermodynamic stability) performed at Invitae indicates that this missense variant is not expected to disrupt NPHP1 protein function. In summary, the available evidence is currently insufficient to determine the role of this variant in disease. Therefore, it has been classified as a Variant of Uncertain Significance.

NM_001128178.3(NPHP1):c.19C>G (p.Arg7Gly)

Gene: NPHP1 (nephrocystin 1; minus strand). Cytogenetic location: 2q13.
Variant type: single nucleotide variant.
Coding change: c.19C>G on transcript NM_001128178.3 (MANE Select); coding-DNA position 19, C replaced by G.
Protein change: p.Arg7Gly; replaces arginine 7 with glycine.
Molecular consequence: missense variant.
Genome position (GRCh38, 1-based): chr2:110,204,950, G>C on the plus strand (C>G on the coding strand, the complement: NPHP1 is on the minus strand). VCF-style: chr2-110204950-G-C. GRCh37 (hg19) VCF-style: chr2-110962527-G-C.
Other names: c.19C>G, p.Arg7Gly (NM_000272.5, NM_001128179.3, NM_001374256.1 and 2 more transcripts); short protein forms R7G.
Identifiers: ClinVar variation 2201806 (VCV002201806.1), dbSNP rs759193940, ClinGen allele CA1827547.
Genomic context (GRCh38, chr2:110,204,950, plus strand): 5'-CTGACCATACCTGTTGCTTCAGCTCCTGATTGCGGCGCCGCAGGGCCTGGAGAGGATCTC[G>C]CTGTCGTCTCGCCAGCATCTCCCTGGCTGCGGTGCTCTGATTGCTCCAGTTGCCAGGGAA-3'
Protein context (NP_001121650.1, residues 1-17): MLARRQ[Arg7Gly]DPLQALRRRN